The following is an entry in ClinVar:

NM_001332.4(CTNND2):c.1943C>T (p.Thr648Met)

Gene: CTNND2 (catenin delta 2; minus strand). Cytogenetic location: 5p15.2.
Variant type: single nucleotide variant.
Coding change: c.1943C>T on transcript NM_001332.4 (MANE Select); coding-DNA position 1943, C replaced by T.
Protein change: p.Thr648Met; replaces threonine 648 with methionine.
Molecular consequence: missense variant. On other transcripts: non-coding transcript variant (1).
Genome position (GRCh38, 1-based): chr5:11,199,480, G>A on the plus strand (C>T on the coding strand, the complement: CTNND2 is on the minus strand). VCF-style: chr5-11199480-G-A. GRCh37 (hg19) VCF-style: chr5-11199592-G-A.
Other names: c.1943C>T (NM_001332.2); c.1670C>T, p.Thr557Met (NM_001288715.1); c.932C>T, p.Thr311Met (NM_001288716.1, NM_001364128.2); c.644C>T, p.Thr215Met (NM_001288717.2); short protein forms T215M, T311M, T557M, T648M.
Identifiers: ClinVar variation 2655299 (VCV002655299.26), dbSNP rs774668411, ClinGen allele CA3200748.

ClinVar aggregate classification (germline): Conflicting classifications of pathogenicity. Review status: criteria provided, conflicting classifications (1 of 4 stars). 3 submissions from 3 submitters: Uncertain significance (2); Likely benign (1). Last evaluated 2025-08-21.

Conditions:
Inborn genetic diseases. Identifiers: MedGen C0950123, MeSH D030342.

Allele frequency attached by ClinVar (database versions not stated): gnomAD 0.00001; gnomAD exomes 0.00001; TOPMed 0.00002; ExAC 0.00005.
gnomAD v4.1: 18 of 1,614,044 alleles (0.0011%); highest among the groups gnomAD compares: South Asian, 0.0066%; no homozygotes.

Submissions (3):

Ambry Genetics
Classification: Uncertain significance for Inborn genetic diseases. Last evaluated: 2025-08-21. Review status: criteria provided, single submitter. Criteria: Ambry Variant Classification Scheme 2023. Collection method: clinical testing. Allele origin: germline.

Laboratory of Genetics, Children's Clinical University Hospital Latvia
Classification: Likely benign. Last evaluated: 2025-02-16. Review status: criteria provided, single submitter. Criteria: ACMG Guidelines, 2015. Collection method: clinical testing. Allele origin: germline. Affected: yes.

CeGaT Center for Human Genetics Tuebingen
Classification: Uncertain significance. Last evaluated: 2022-05-01. Review status: criteria provided, single submitter. Criteria: CeGaT Center For Human Genetics Tuebingen Variant Classification Criteria Version 2. Collection method: clinical testing. Allele origin: germline. Affected: yes. Observed: 1 variant allele.
Comment: CTNND2: PP3